The following is an entry in ClinVar:

ClinVar aggregate classification (germline): Pathogenic. Review status: criteria provided, multiple submitters, no conflicts (2 of 4 stars). 8 submissions from 8 submitters: Pathogenic (7). 1 of the submissions does not count toward it. Last evaluated 2026-03-27.

Conditions:
Glycine encephalopathy 1 (GCE1). Identifiers: MedGen CN376801, MONDO:0958179, OMIM 605899.
Glycine encephalopathy. Also called: Non-ketotic hyperglycinemia; Nonketotic hyperglycinemia. Identifiers: Orphanet 407, MedGen C0751748, MONDO:0011612, HP:0008288.

Allele frequency attached by ClinVar (database versions not stated): ExAC 0.00002; gnomAD exomes 0.00002 and 0.00005; gnomAD 0.00003; TOPMed 0.00007; ESP Exome Variant Server 0.00008.
gnomAD v4.1: 71 of 1,595,528 alleles (0.0044%); highest among the groups gnomAD compares: Non-Finnish European, 0.0056%; no homozygotes.

Submissions (8):

Laboratorio de Genetica e Diagnostico Molecular, Hospital Israelita Albert Einstein
Classification: Pathogenic for Glycine encephalopathy 1. Last evaluated: 2026-03-27. Review status: criteria provided, single submitter. Criteria: ACMG Guidelines, 2015. Collection method: clinical testing. Allele origin: germline. Affected: yes.
Comment: ACMG classification criteria: PVS1 strong, PM2 supporting, PM3 very strong

Labcorp Genetics (formerly Invitae), Labcorp
Classification: Pathogenic for Glycine encephalopathy. Last evaluated: 2025-11-15. Review status: criteria provided, single submitter. Criteria: Invitae Variant Classification Sherloc (09022015). Collection method: clinical testing. Allele origin: germline.
Comment: This sequence change affects a donor splice site in intron 22 of the GLDC gene. It is expected to disrupt RNA splicing. Variants that disrupt the donor or acceptor splice site typically lead to a loss of protein function (PMID: 16199547), and loss-of-function variants in GLDC are known to be pathogenic (PMID: 16601880). This variant is present in population databases (rs149070244, gnomAD 0.003%). Disruption of this splice site has been observed in individuals with nonketotic hyperglycinemia (PMID: 16450403). ClinVar contains an entry for this variant (Variation ID: 280015). Algorithms developed to predict the effect of sequence changes on RNA splicing suggest that this variant may disrupt the consensus splice site. For these reasons, this variant has been classified as Pathogenic.

Natera, Inc.
Classification: Pathogenic for Non-ketotic hyperglycinemia. Last evaluated: 2025-10-25. Review status: criteria provided, single submitter. Criteria: Natera Variant Classification Schema (03/2026). Collection method: clinical testing. Allele origin: germline.
Comment: The c.2665+1G>C variant in GLDC is a canonical splice donor site variant predicted to affect pre-mRNA splicing, which may result in an abnormal transcript and altered protein product. This variant is expected to result in nonsense mediated decay, truncation, or a dysfunctional protein product. This variant is rare in the general population with a frequency below the threshold expected for the associated phenotype(s). This variant has been observed in one or more individuals affected with the associated recessive disease, as either homozygous or compound heterozygous with a second variant (PMID: 26179960). Another variant at this same site results in an alteration predicted to cause a similar molecular effect has been observed in individual(s) with the associated phenotype. Given the available evidence, this variant is classified as Pathogenic.

Women's Health and Genetics/Laboratory Corporation of America, LabCorp
Classification: Pathogenic for Glycine encephalopathy. Last evaluated: 2025-03-03. Review status: criteria provided, single submitter. Criteria: LabCorp Variant Classification Summary - May 2015. Collection method: clinical testing. Allele origin: germline.
Comment: Variant summary: GLDC c.2665+1G>C is located in a canonical splice-site and is predicted to affect mRNA splicing resulting in a significantly altered protein due to either exon skipping, shortening, or inclusion of intronic material. Several computational tools predict a significant impact on normal splicing: Five predict the variant abolishes a 5' splicing donor site. The variant allele was found at a frequency of 1.6e-05 in 246180 control chromosomes. c.2665+1G>C has been reported in the literature in multiple individuals affected with Glycine Encephalopathy (Non-Ketotic Hyperglycinemia; Kure_2006, Swanson_2015). These data indicate that the variant is very likely to be associated with disease. To our knowledge, no experimental evidence demonstrating an impact on protein function has been reported. Three clinical diagnostic laboratories have submitted clinical-significance assessments for this variant to ClinVar after 2014 without evidence for independent evaluation. All laboratories classified the variant as pathogenic/likely pathogenic. Based on the evidence outlined above, the variant was classified as pathogenic.

GeneDx
Classification: Pathogenic. Last evaluated: 2024-04-11. Review status: criteria provided, single submitter. Criteria: GeneDx Variant Classification Process June 2021. Collection method: clinical testing. Allele origin: germline. Affected: yes.
Comment: Canonical splice site variant predicted to result in an in-frame loss of the adjacent exon in a gene for which loss of function is a known mechanism of disease; Not observed at significant frequency in large population cohorts (gnomAD); This variant is associated with the following publications: (PMID: 7362913, 25525159, 16450403, 26749113, 27362913, 31589614, 26179960)

Fulgent Genetics
Classification: Pathogenic for Glycine encephalopathy 1. Last evaluated: 2024-03-07. Review status: criteria provided, single submitter. Criteria: ACMG Guidelines, 2015. Collection method: clinical testing. Allele origin: germline.

Revvity Omics, Revvity
Classification: Pathogenic for Glycine encephalopathy 1. Last evaluated: 2020-02-21. Review status: criteria provided, single submitter. Criteria: ACMG Guidelines, 2015. Collection method: clinical testing. Allele origin: germline.

Counsyl
Classification: Likely pathogenic for Glycine encephalopathy 1. Last evaluated: 2016-11-11. Review status: no assertion criteria provided. Collection method: clinical testing. Allele origin: unknown. Not counted in ClinVar's aggregate classification.

Literature cited by the submitters: PubMed 16199547 (cited by Labcorp Genetics (formerly Invitae), Labcorp); PubMed 16601880 (cited by Labcorp Genetics (formerly Invitae), Labcorp); PubMed 16450403 (cited by 3 submitters); PubMed 26179960 (cited by Natera, Inc. and Women's Health and Genetics/Laboratory Corporation of America, LabCorp).

NM_000170.3(GLDC):c.2665+1G>C

Gene: GLDC (glycine decarboxylase; minus strand). Cytogenetic location: 9p24.1.
Variant type: single nucleotide variant.
Coding change: c.2665+1G>C on transcript NM_000170.3 (MANE Select); the canonical splice donor site of the intron after coding-DNA position 2665, G replaced by C.
Molecular consequence: splice donor variant.
Genome position (GRCh38, 1-based): chr9:6,540,050, C>G on the plus strand (G>C on the coding strand, the complement: GLDC is on the minus strand). VCF-style: chr9-6540050-C-G. GRCh37 (hg19) VCF-style: chr9-6540050-C-G.
Identifiers: ClinVar variation 280015 (VCV000280015.27), dbSNP rs149070244, ClinGen allele CA4980128.